The following is an entry in ClinVar:

ClinVar aggregate classification (germline): Uncertain significance. Review status: criteria provided, multiple submitters, no conflicts (2 of 4 stars). 2 submissions from 2 submitters: Uncertain significance (2). Last evaluated 2024-02-26.

Conditions:
Cardiovascular phenotype. Identifiers: MedGen CN230736.

Submissions (2):

Ambry Genetics
Classification: Uncertain significance for Cardiovascular phenotype. Last evaluated: 2024-02-26. Review status: criteria provided, single submitter. Criteria: Ambry Variant Classification Scheme 2023. Collection method: clinical testing. Allele origin: germline.
Comment: The c.41-3C>T intronic variant results from a C to T substitution 3 nucleotides upstream from coding exon 2 in the SCN1B gene. This nucleotide position is highly conserved in available vertebrate species. In silico splice site analysis predicts that this alteration will not have any significant effect on splicing. Based on the available evidence, the clinical significance of this alteration remains unclear.

GeneDx
Classification: Uncertain significance. Last evaluated: 2017-03-09. Review status: criteria provided, single submitter. Criteria: GeneDx Variant Classification (06012015). Collection method: clinical testing. Allele origin: germline. Affected: yes.
Comment: The c.41-3 C>T variant has not been published as pathogenic or been reported as benign to our knowledge. The c.41-3 C>T variant is not observed in large population cohorts (Lek et al., 2016; 1000 Genomes Consortium et al., 2015; Exome Variant Server). At the mRNA level, the nucleotide cytosine (C) is conserved across most species. However, thymine (T) is wild-type at this nucleotide position in at least one mammalian species, and in silico splicing algorithms do not predict an impact on splicing. Nevertheless, in the absence of functional mRNA studies, the physiological consequence of this variant cannot be precisely determined.

NM_001037.5(SCN1B):c.41-3C>T

Gene: SCN1B (sodium voltage-gated channel beta subunit 1; plus strand). Cytogenetic location: 19q13.11.
Variant type: single nucleotide variant.
Coding change: c.41-3C>T on transcript NM_001037.5 (MANE Select); 3 bases into the intron before coding-DNA position 41, C replaced by T.
Molecular consequence: intron variant.
Genome position (GRCh38, 1-based): chr19:35,032,525, C>T. VCF-style: chr19-35032525-C-T. GRCh37 (hg19) VCF-style: chr19-35523429-C-T.
Other names: c.41-3C>T (NM_199037.5); c.-59-3C>T (NM_001321605.2).
Identifiers: ClinVar variation 424109 (VCV000424109.3), dbSNP rs1064796801, ClinGen allele CA16620821.
Genomic context (GRCh38, chr19:35,032,525, plus strand): 5'-GGGGTCTGGCATTGCTTAGGGCAATGGGTGCCTCTGCCTGACCTGAGCCTGCTGTCCCCA[C>T]AGTGTCCTCAGCCTGCGGGGGCTGCGTGGAGGTGGACTCGGAGACCGAGGCCGTGTATGG-3'